The following is an entry in ClinVar:

ClinVar aggregate classification (germline): Uncertain significance (1 of 4 stars; one submission).

Submission:

Ambry Genetics
Classification: Uncertain significance. Last evaluated: 2021-02-17. Review status: criteria provided, single submitter. Criteria: Ambry Variant Classification Scheme 2023. Collection method: clinical testing. Allele origin: germline.
Comment: The p.I586S variant (also known as c.1757T>G), located in coding exon 13 of the RECQL gene, results from a T to G substitution at nucleotide position 1757. The isoleucine at codon 586 is replaced by serine, an amino acid with dissimilar properties. This amino acid position is well conserved in available vertebrate species. In addition, the in silico prediction for this alteration is inconclusive. Since supporting evidence is limited at this time, the clinical significance of this alteration remains unclear.

NM_002907.4(RECQL):c.1757T>G (p.Ile586Ser)

Genes: PYROXD1 (pyridine nucleotide-disulphide oxidoreductase domain 1; plus strand), RECQL (RecQ like helicase; minus strand). Cytogenetic location: 12p12.1.
Variant type: single nucleotide variant.
Coding change: c.1757T>G on transcript NM_002907.4 (MANE Select); coding-DNA position 1757, T replaced by G.
Protein change: p.Ile586Ser; replaces isoleucine 586 with serine.
Molecular consequence: missense variant. On other transcripts: 3 prime UTR variant (3).
Genome position (GRCh38, 1-based): chr12:21,471,009, A>C on the plus strand (T>G on the coding strand, the complement: RECQL is on the minus strand). VCF-style: chr12-21471009-A-C. GRCh37 (hg19) VCF-style: chr12-21623943-A-C.
Other names: c.1757T>G, p.Ile586Ser (NM_032941.3); c.*2255A>C (NM_001350912.2, NM_001350913.2, NM_024854.5); short protein forms I586S.
Identifiers: ClinVar variation 1779497 (VCV001779497.2), dbSNP rs2540313535, ClinGen allele CA384114467.
Genomic context (GRCh38, chr12:21,471,009, plus strand): 5'-GAAAATTAATAGCCATTTACCCTGAAAGAGTTCTGCGTGGACTTTGTCACTTGCATAGTA[A>C]TAGCATGTGCCTCATTGTTCAGAAGATTAGCTTTAGGTCCTATTTTCAAATACGAAATGG-3'
Protein context (NP_002898.2, residues 576-596): ANLLNNEAHA[Ile586Ser]TMQVTKSTQN